The following is an entry in ClinVar:

NM_018263.6(ASXL2):c.1372_1374del (p.Ser458del)

Gene: ASXL2 (ASXL transcriptional regulator 2; minus strand). Cytogenetic location: 2p23.3.
Variant type: Deletion.
Coding change: c.1372_1374del on transcript NM_018263.6 (MANE Select); coding-DNA positions 1372 to 1374, 3 bases deleted (TCC; older notation c.1372_1374delTCC).
Protein change: p.Ser458del; deletes serine 458.
Genome position (GRCh38, 1-based): chr2:25,750,182-25,750,184, GGA deleted on the plus strand (TCC on the coding strand, the reverse complement: ASXL2 is on the minus strand); deleting any 3 consecutive bases within chr2:25,750,182-25,750,185 gives the same sequence; the c. name uses the placement nearest the transcript's 3' end. VCF-style (leftmost placement, unchanged base first): chr2-25750181-TGGA-T. GRCh37 (hg19) VCF-style: chr2-25973050-TGGA-T.
Other names: c.1198_1200del, p.Ser400del (NM_001369346.1); c.592_594del, p.Ser198del (NM_001369347.1); short protein forms S198del, S400del, S458del.
Identifiers: ClinVar variation 3363826 (VCV003363826.1).

ClinVar aggregate classification (germline): Uncertain significance (1 of 4 stars; one submission).

Submission:

GeneDx
Classification: Uncertain significance. Last evaluated: 2023-10-31. Review status: criteria provided, single submitter. Criteria: GeneDx Variant Classification Process June 2021. Collection method: clinical testing. Allele origin: germline. Affected: yes.
Comment: In-frame deletion of 1 amino acids in a non-repeat region; Not observed at significant frequency in large population cohorts (gnomAD); In silico analysis supports that this variant does not alter protein structure/function; Has not been previously published as pathogenic or benign to our knowledge